The following is an entry in ClinVar:

NM_172364.5(CACNA2D4):c.1414G>A (p.Val472Met)

Gene: CACNA2D4 (calcium voltage-gated channel auxiliary subunit alpha2delta 4; minus strand). Cytogenetic location: 12p13.33.
Variant type: single nucleotide variant.
Coding change: c.1414G>A on transcript NM_172364.5 (MANE Select); coding-DNA position 1414, G replaced by A.
Protein change: p.Val472Met; replaces valine 472 with methionine.
Molecular consequence: missense variant.
Genome position (GRCh38, 1-based): chr12:1,882,938, C>T on the plus strand (G>A on the coding strand, the complement: CACNA2D4 is on the minus strand). VCF-style: chr12-1882938-C-T. GRCh37 (hg19) VCF-style: chr12-1992104-C-T.
Other names: c.1414G>A (NM_172364.4); short protein forms V472M.
Identifiers: ClinVar variation 1014548 (VCV001014548.8), dbSNP rs376796899, ClinGen allele CA6387141.
Genomic context (GRCh38, chr12:1,882,938, plus strand): 5'-TGTAGGCCTCTGTCCAGATGATGTCGTGGTCGTGGTTGATGACCATGGGGCGGCTGAGCA[C>T]GTGCAGGTATTCCATCACGTTCTCCTGGGTGTCCGCCAGCGTTGAGATCTGCGTGTAGTA-3'
Protein context (NP_758952.4, residues 462-482): TQENVMEYLH[Val472Met]LSRPMVINHD

ClinVar aggregate classification (germline): Uncertain significance. Review status: criteria provided, multiple submitters, no conflicts (2 of 4 stars). 3 submissions from 3 submitters: Uncertain significance (3). Last evaluated 2025-03-28.

Conditions:
Inborn genetic diseases. Identifiers: MedGen C0950123, MeSH D030342.

Allele frequency attached by ClinVar (database versions not stated): gnomAD 0.00003; TOPMed 0.00003; ESP Exome Variant Server 0.00016.
gnomAD v4.1: 19 of 1,613,468 alleles (0.0012%); highest among the groups gnomAD compares: Middle Eastern, 0.016%; no homozygotes.

Submissions (3):

Ambry Genetics
Classification: Uncertain significance for Inborn genetic diseases. Last evaluated: 2025-03-28. Review status: criteria provided, single submitter. Criteria: Ambry Variant Classification Scheme 2023. Collection method: clinical testing. Allele origin: germline.

Labcorp Genetics (formerly Invitae), Labcorp
Classification: Uncertain significance. Last evaluated: 2025-03-27. Review status: criteria provided, single submitter. Criteria: Invitae Variant Classification Sherloc (09022015). Collection method: clinical testing. Allele origin: germline.
Comment: This sequence change replaces valine, which is neutral and non-polar, with methionine, which is neutral and non-polar, at codon 472 of the CACNA2D4 protein (p.Val472Met). This variant is present in population databases (rs376796899, gnomAD 0.005%). This variant has not been reported in the literature in individuals affected with CACNA2D4-related conditions. ClinVar contains an entry for this variant (Variation ID: 1014548). An algorithm developed to predict the effect of missense changes on protein structure and function (PolyPhen-2) suggests that this variant is likely to be disruptive. In summary, the available evidence is currently insufficient to determine the role of this variant in disease. Therefore, it has been classified as a Variant of Uncertain Significance.

Blueprint Genetics
Classification: Uncertain significance. Last evaluated: 2019-02-08. Review status: criteria provided, single submitter. Criteria: ACMG Guidelines, 2015. Collection method: clinical testing. Allele origin: germline.